The following is an entry in ClinVar:

ClinVar aggregate classification (germline): Uncertain significance (1 of 4 stars; one submission).

Submission:

Labcorp Genetics (formerly Invitae), Labcorp
Classification: Uncertain significance. Last evaluated: 2025-12-17. Review status: criteria provided, single submitter. Criteria: Invitae Variant Classification Sherloc (09022015). Collection method: clinical testing. Allele origin: germline.
Comment: This sequence change replaces asparagine, which is neutral and polar, with lysine, which is basic and polar, at codon 61 of the GP9 protein (p.Asn61Lys). This variant is not present in population databases (gnomAD no frequency). This variant has not been reported in the literature in individuals affected with GP9-related conditions. An algorithm developed to predict the effect of missense changes on protein structure and function (PolyPhen-2) suggests that this variant is likely to be disruptive. This variant disrupts the p.Asn61 amino acid residue in GP9. Other variant(s) that disrupt this residue have been determined to be pathogenic (PMID: 8481514, 14510954, 25370924, 28131619, 28765788). This suggests that this residue is clinically significant, and that variants that disrupt this residue are likely to be disease-causing. In summary, the available evidence is currently insufficient to determine the role of this variant in disease. Therefore, it has been classified as a Variant of Uncertain Significance.

Literature cited by the submitters: PubMed 8481514; PubMed 14510954; PubMed 25370924; PubMed 28131619; PubMed 28765788.

NM_000174.5(GP9):c.183C>A (p.Asn61Lys)

Gene: GP9 (glycoprotein IX platelet; plus strand). Cytogenetic location: 3q21.3.
Variant type: single nucleotide variant.
Coding change: c.183C>A on transcript NM_000174.5 (MANE Select); coding-DNA position 183, C replaced by A.
Protein change: p.Asn61Lys; replaces asparagine 61 with lysine.
Molecular consequence: missense variant.
Genome position (GRCh38, 1-based): chr3:129,061,922, C>A. VCF-style: chr3-129061922-C-A. GRCh37 (hg19) VCF-style: chr3-128780765-C-A.
Other names: short protein forms N61K.
Identifiers: ClinVar variation 4733552 (VCV004733552.1).